The following is an entry in ClinVar:

ClinVar aggregate classification (germline): Pathogenic (1 of 4 stars; one submission).

Submission:

Labcorp Genetics (formerly Invitae), Labcorp
Classification: Pathogenic. Last evaluated: 2023-04-28. Review status: criteria provided, single submitter. Criteria: Invitae Variant Classification Sherloc (09022015). Collection method: clinical testing. Allele origin: germline.
Comment: This variant has not been reported in the literature in individuals affected with SPTB-related conditions. For these reasons, this variant has been classified as Pathogenic. This variant is not present in population databases (gnomAD no frequency). This sequence change creates a premature translational stop signal (p.Gln1704*) in the SPTB gene. It is expected to result in an absent or disrupted protein product. Loss-of-function variants in SPTB are known to be pathogenic (PMID: 1391962, 1498324, 8844207, 26830532, 27292444).

Literature cited by the submitters: PubMed 1391962; PubMed 1498324; PubMed 8844207; PubMed 26830532; PubMed 27292444.

NM_001355436.2(SPTB):c.5110C>T (p.Gln1704Ter)

Gene: SPTB (spectrin beta, erythrocytic; minus strand). Cytogenetic location: 14q23.3.
Variant type: single nucleotide variant.
Coding change: c.5110C>T on transcript NM_001355436.2 (MANE Select); coding-DNA position 5110, C replaced by T.
Protein change: p.Gln1704Ter; replaces glutamine 1704 with a stop codon.
Molecular consequence: nonsense.
Genome position (GRCh38, 1-based): chr14:64,773,288, G>A on the plus strand (C>T on the coding strand, the complement: SPTB is on the minus strand). VCF-style: chr14-64773288-G-A. GRCh37 (hg19) VCF-style: chr14-65240006-G-A.
Other names: c.5110C>T, p.Gln1704Ter (NM_001024858.4, NM_001355437.2); short protein forms Q1704*.
Identifiers: ClinVar variation 2860374 (VCV002860374.3), dbSNP rs2503060553, ClinGen allele CA390042001.